The following is an entry in ClinVar:

NM_003119.4(SPG7):c.2123C>T (p.Ala708Val)

Gene: SPG7 (SPG7 matrix AAA peptidase subunit, paraplegin; plus strand). Cytogenetic location: 16q24.3.
Variant type: single nucleotide variant.
Coding change: c.2123C>T on transcript NM_003119.4 (MANE Select); coding-DNA position 2123, C replaced by T.
Protein change: p.Ala708Val; replaces alanine 708 with valine.
Molecular consequence: missense variant.
Genome position (GRCh38, 1-based): chr16:89,554,505, C>T. VCF-style: chr16-89554505-C-T. GRCh37 (hg19) VCF-style: chr16-89620913-C-T.
Other names: c.2123C>T, p.Ala708Val (NM_001363850.1); short protein forms A708V.
Identifiers: ClinVar variation 2962679 (VCV002962679.3), dbSNP rs927057263, ClinGen allele CA286568316.

ClinVar aggregate classification (germline): Uncertain significance (1 of 4 stars; one submission).

Conditions:
Hereditary spastic paraplegia 7 (SPG7). Also called: SPG7-related neurologic disorder; Autosomal recessive spastic paraplegia type 7; Spastic paraplegia 7; Hereditary spastic paraplegia Paraplegin type; SPASTIC PARAPLEGIA 7, AUTOSOMAL RECESSIVE, WITH OR WITHOUT CEREBELLAR ATAXIA. Identifiers: Orphanet 99013, MedGen C1846564, MONDO:0011803, OMIM 607259.

Allele frequency attached by ClinVar (database versions not stated): gnomAD exomes below 0.00001; TOPMed below 0.00001.
gnomAD v4.1: 5 of 1,609,084 alleles (0.00031%); highest among the groups gnomAD compares: Non-Finnish European, 0.00042%; no homozygotes.

Submission:

Labcorp Genetics (formerly Invitae), Labcorp
Classification: Uncertain significance for Hereditary spastic paraplegia 7. Last evaluated: 2023-07-28. Review status: criteria provided, single submitter. Criteria: Invitae Variant Classification Sherloc (09022015). Collection method: clinical testing. Allele origin: germline.
Comment: This sequence change replaces alanine, which is neutral and non-polar, with valine, which is neutral and non-polar, at codon 708 of the SPG7 protein (p.Ala708Val). The frequency data for this variant in the population databases is considered unreliable, as metrics indicate poor data quality at this position in the gnomAD database. In summary, the available evidence is currently insufficient to determine the role of this variant in disease. Therefore, it has been classified as a Variant of Uncertain Significance. Advanced modeling of protein sequence and biophysical properties (such as structural, functional, and spatial information, amino acid conservation, physicochemical variation, residue mobility, and thermodynamic stability) performed at Invitae indicates that this missense variant is not expected to disrupt SPG7 protein function. This variant has not been reported in the literature in individuals affected with SPG7-related conditions.